The following is an entry in ClinVar:

NM_022168.4(IFIH1):c.1675A>C (p.Thr559Pro)

Gene: IFIH1 (interferon induced with helicase C domain 1; minus strand). Cytogenetic location: 2q24.2.
Variant type: single nucleotide variant.
Coding change: c.1675A>C on transcript NM_022168.4 (MANE Select); coding-DNA position 1675, A replaced by C.
Protein change: p.Thr559Pro; replaces threonine 559 with proline.
Molecular consequence: missense variant.
Genome position (GRCh38, 1-based): chr2:162,278,295, T>G on the plus strand (A>C on the coding strand, the complement: IFIH1 is on the minus strand). VCF-style: chr2-162278295-T-G. GRCh37 (hg19) VCF-style: chr2-163134805-T-G.
Other names: short protein forms T559P.
Identifiers: ClinVar variation 1022522 (VCV001022522.8), dbSNP rs752832328, ClinGen allele CA349000246.

ClinVar aggregate classification (germline): Uncertain significance (1 of 4 stars; one submission).

Conditions:
Singleton-Merten syndrome 1 (SGMRT1). Also called: Widened medullary cavities of bone, aortic calcification, abnormal dentition, and muscular weakness; Syndrome of widened medullary cavities of the metacarpals and phalanges, aortic calcification and abnormal dentition. Identifiers: Orphanet 85191, MedGen C4225427, MONDO:0024535, OMIM 182250.
Aicardi-Goutieres syndrome 7 (AGS7). Identifiers: Orphanet 51, MedGen C3888244, MONDO:0014367, OMIM 615846.

Submission:

Labcorp Genetics (formerly Invitae), Labcorp
Classification: Uncertain significance for Aicardi-Goutieres syndrome 7; Singleton-Merten syndrome 1. Last evaluated: 2020-02-17. Review status: criteria provided, single submitter. Criteria: Invitae Variant Classification Sherloc (09022015). Collection method: clinical testing. Allele origin: germline.
Comment: This variant is not present in population databases (ExAC no frequency). This variant has not been reported in the literature in individuals with IFIH1-related conditions. Algorithms developed to predict the effect of missense changes on protein structure and function (SIFT, PolyPhen-2, Align-GVGD) all suggest that this variant is likely to be tolerated, but these predictions have not been confirmed by published functional studies and their clinical significance is uncertain. In summary, the available evidence is currently insufficient to determine the role of this variant in disease. Therefore, it has been classified as a Variant of Uncertain Significance. This sequence change replaces threonine with proline at codon 559 of the IFIH1 protein (p.Thr559Pro). The threonine residue is weakly conserved and there is a small physicochemical difference between threonine and proline.